The following is an entry in ClinVar:

NM_000334.4(SCN4A):c.4765G>T (p.Val1589Leu)

Genes: GH-LCR (growth hormone locus control region; plus strand), SCN4A (sodium voltage-gated channel alpha subunit 4; minus strand). Cytogenetic location: 17q23.3.
Variant type: single nucleotide variant.
Coding change: c.4765G>T on transcript NM_000334.4 (MANE Select); coding-DNA position 4765, G replaced by T.
Protein change: p.Val1589Leu; replaces valine 1589 with leucine.
Molecular consequence: missense variant.
Genome position (GRCh38, 1-based): chr17:63,941,517, C>A on the plus strand (G>T on the coding strand, the complement: SCN4A is on the minus strand). VCF-style: chr17-63941517-C-A. GRCh37 (hg19) VCF-style: chr17-62018877-C-A.
Other names: short protein forms V1589L.
Identifiers: ClinVar variation 3381974 (VCV003381974.2).

ClinVar aggregate classification (germline): Uncertain significance (1 of 4 stars; one submission).

Conditions:
Congenital myopathy 22A, classic (CMYO22A). Identifiers: MedGen C5830453, MONDO:0957247, OMIM 620351.
Potassium-aggravated myotonia. Also called: MYOTONIA CONGENITA, ACETAZOLAMIDE-RESPONSIVE; MYOTONIA CONGENITA, ATYPICAL; SODIUM CHANNEL MUSCLE DISEASE; Myotonia congenita, atypical, acetazolamide-responsive. Identifiers: Orphanet 612, Orphanet 99734, Orphanet 99735, Orphanet 99736, MedGen C2931826, MONDO:0018959, OMIM 608390.
Paramyotonia congenita of Von Eulenburg. Also called: PARALYSIS PERIODICA PARAMYOTONICA; Eulenburg disease; Myotonia congenita intermittens; Von Eulenburg paramyotonia congenita; Paramyotonia Congenita. Identifiers: Orphanet 684, MedGen C0221055, MONDO:0008195, OMIM 168300. Disease mechanism: loss of function.
Hypokalemic periodic paralysis, type 2 (HOKPP2). Identifiers: Orphanet 681, MedGen C2750061, MONDO:0013234, OMIM 613345.
Hyperkalemic periodic paralysis. Also called: Gamstorp disease; Familial hyperkalemic periodic paralysis. Identifiers: Orphanet 682, MedGen C0238357, MONDO:0008224, OMIM 170500, HP:0007215.
Congenital myopathy 22B, severe fetal (CMYO22B). Identifiers: MedGen C5830501, MONDO:0957265, OMIM 620369.
Congenital myasthenic syndrome 16. Identifiers: Orphanet 590, MedGen C3280112, MONDO:0013620, OMIM 614198.

Submission:

Juno Genomics, Hangzhou Juno Genomics, Inc
Classification: Uncertain significance for Congenital myopathy 22A, classic; Congenital myopathy 22B, severe fetal; Hyperkalemic periodic paralysis; Hypokalemic periodic paralysis, type 2; Congenital myasthenic syndrome 16; Potassium-aggravated myotonia; Paramyotonia congenita of Von Eulenburg. Review status: criteria provided, single submitter. Criteria: ACMG Guidelines, 2015. Collection method: clinical testing. Allele origin: germline. Affected: yes.
Comment: Absent from controls (or at extremely low frequency if recessive) in Genome Aggregation Database, Exome Sequencing Project, 1000 Genomes Project, or Exome Aggregation Consortium.;Multiple lines of computational evidence support a deleterious effect on the gene or gene product (conservation, evolutionary, splicing impact, etc).;Novel missense change at an amino acid residue where a different missense change determined to be pathogenic has been seen before.